The following is an entry in ClinVar:

NM_172107.4(KCNQ2):c.1705G>A (p.Glu569Lys)

Gene: KCNQ2 (potassium voltage-gated channel subfamily Q member 2; minus strand). Cytogenetic location: 20q13.33.
Variant type: single nucleotide variant.
Coding change: c.1705G>A on transcript NM_172107.4 (MANE Select); coding-DNA position 1705, G replaced by A.
Protein change: p.Glu569Lys; replaces glutamic acid 569 with lysine.
Molecular consequence: missense variant.
Genome position (GRCh38, 1-based): chr20:63,413,508, C>T on the plus strand (G>A on the coding strand, the complement: KCNQ2 is on the minus strand). VCF-style: chr20-63413508-C-T. GRCh37 (hg19) VCF-style: chr20-62044861-C-T.
Other names: c.1705G>A (NM_172107.2); c.1612G>A, p.Glu538Lys (NM_172108.5); c.1651G>A, p.Glu551Lys (NM_001382235.1, NM_172106.3); c.1621G>A, p.Glu541Lys (NM_004518.6); short protein forms E551K, E541K, E569K, E538K.
Identifiers: ClinVar variation 3692339 (VCV003692339.3).

ClinVar aggregate classification (germline): Uncertain significance. Review status: criteria provided, multiple submitters, no conflicts (2 of 4 stars). 2 submissions from 2 submitters: Uncertain significance (2). Last evaluated 2025-03-28.

Conditions:
Early-infantile DEE. Also called: Ohtahara syndrome; Early infantile epileptic encephalopathy with suppression bursts; Early infantile epileptic encephalopathy. Identifiers: Orphanet 1934, MedGen C0393706, MONDO:0800491.

gnomAD v4.1: 1 of 1,613,516 alleles (0.000062%); highest among the groups gnomAD compares: Non-Finnish European, 0.000085%; no homozygotes.

Submissions (2):

GeneDx
Classification: Uncertain significance. Last evaluated: 2025-03-28. Review status: criteria provided, single submitter. Criteria: GeneDx Variant Classification Process June 2021. Collection method: clinical testing. Allele origin: germline. Affected: yes.
Comment: Not observed at significant frequency in large population cohorts (gnomAD); In silico analysis supports that this missense variant has a deleterious effect on protein structure/function; Has not been previously published as pathogenic or benign to our knowledge; This substitution is predicted to be within the C-terminal cytoplasmic domain

Labcorp Genetics (formerly Invitae), Labcorp
Classification: Uncertain significance for Early-infantile DEE. Last evaluated: 2024-05-14. Review status: criteria provided, single submitter. Criteria: Invitae Variant Classification Sherloc (09022015). Collection method: clinical testing. Allele origin: germline.
Comment: This sequence change replaces glutamic acid, which is acidic and polar, with lysine, which is basic and polar, at codon 569 of the KCNQ2 protein (p.Glu569Lys). This variant is not present in population databases (gnomAD no frequency). This variant has not been reported in the literature in individuals affected with KCNQ2-related conditions. An algorithm developed to predict the effect of missense changes on protein structure and function (PolyPhen-2) suggests that this variant is likely to be disruptive. In summary, the available evidence is currently insufficient to determine the role of this variant in disease. Therefore, it has been classified as a Variant of Uncertain Significance.